The following is an entry in ClinVar:

NM_006744.4(RBP4):c.301C>A (p.Pro101Thr)

Gene: RBP4 (retinol binding protein 4; minus strand). Cytogenetic location: 10q23.33.
Variant type: single nucleotide variant.
Coding change: c.301C>A on transcript NM_006744.4 (MANE Select); coding-DNA position 301, C replaced by A.
Protein change: p.Pro101Thr; replaces proline 101 with threonine.
Molecular consequence: missense variant.
Genome position (GRCh38, 1-based): chr10:93,600,447, G>T on the plus strand (C>A on the coding strand, the complement: RBP4 is on the minus strand). VCF-style: chr10-93600447-G-T. GRCh37 (hg19) VCF-style: chr10-95360204-G-T.
Other names: c.301C>A, p.Pro101Thr (NM_001323517.1); c.295C>A, p.Pro99Thr (NM_001323518.2); short protein forms P101T, P99T.
Identifiers: ClinVar variation 1499756 (VCV001499756.8), dbSNP rs749329416, ClinGen allele CA377617281.

ClinVar aggregate classification (germline): Uncertain significance (1 of 4 stars; one submission).

Submission:

Labcorp Genetics (formerly Invitae), Labcorp
Classification: Uncertain significance. Last evaluated: 2023-07-17. Review status: criteria provided, single submitter. Criteria: Invitae Variant Classification Sherloc (09022015). Collection method: clinical testing. Allele origin: germline.
Comment: In summary, the available evidence is currently insufficient to determine the role of this variant in disease. Therefore, it has been classified as a Variant of Uncertain Significance. An algorithm developed to predict the effect of missense changes on protein structure and function (PolyPhen-2) suggests that this variant is likely to be disruptive. ClinVar contains an entry for this variant (Variation ID: 1499756). This variant has not been reported in the literature in individuals affected with RBP4-related conditions. This variant is not present in population databases (gnomAD no frequency). This sequence change replaces proline, which is neutral and non-polar, with threonine, which is neutral and polar, at codon 101 of the RBP4 protein (p.Pro101Thr).